The following is an entry in ClinVar:

NM_000046.5(ARSB):c.979C>T (p.Arg327Ter)

Gene: ARSB (arylsulfatase B; minus strand). Cytogenetic location: 5q14.1.
Variant type: single nucleotide variant.
Coding change: c.979C>T on transcript NM_000046.5 (MANE Select); coding-DNA position 979, C replaced by T.
Protein change: p.Arg327Ter; replaces arginine 327 with a stop codon.
Molecular consequence: nonsense.
Genome position (GRCh38, 1-based): chr5:78,885,747, G>A on the plus strand (C>T on the coding strand, the complement: ARSB is on the minus strand). VCF-style: chr5-78885747-G-A. GRCh37 (hg19) VCF-style: chr5-78181570-G-A.
Other names: c.979C>T, p.Arg327Ter (NM_198709.3); short protein forms R327*.
Identifiers: ClinVar variation 559832 (VCV000559832.18), dbSNP rs773492223, ClinGen allele CA121690797.

ClinVar aggregate classification (germline): Pathogenic/Likely pathogenic. Review status: criteria provided, multiple submitters, no conflicts (2 of 4 stars). 11 submissions from 11 submitters: Pathogenic (9); Likely pathogenic (1). 1 of the submissions does not count toward it. Last evaluated 2026-06-26.

Conditions:
ARSB-related disorder. Also called: ARSB-related condition.
Mucopolysaccharidosis type 6 (MPS6). Also called: MPS 6; Maroteaux Lamy syndrome; N-ACETYLGALACTOSAMINE-4-SULFATASE DEFICIENCY; MPS VI; ARSB DEFICIENCY; ARYLSULFATASE B DEFICIENCY. Identifiers: Orphanet 583, MedGen C0026709, MONDO:0009661, OMIM 253200.

gnomAD v4.1: 11 of 1,614,038 alleles (0.00068%); highest among the groups gnomAD compares: South Asian, 0.0022%; no homozygotes.

Submissions (11):

Women's Health and Genetics/Laboratory Corporation of America, LabCorp
Classification: Pathogenic for Mucopolysaccharidosis type 6. Last evaluated: 2026-06-26. Review status: criteria provided, single submitter. Criteria: LabCorp Variant Classification Summary - May 2015. Collection method: clinical testing. Allele origin: germline.
Comment: Variant summary: ARSB c.979C>T (p.Arg327X) results in a premature termination codon, predicted to cause a truncation of the encoded protein or absence of the protein due to nonsense mediated decay, which are commonly known mechanisms for disease. The variant allele was found at a frequency of 1.2e-05 in 251308 control chromosomes (gnomAD). c.979C>T has been observed in individuals affected with Mucopolysaccharidosis VI (e.g. Fang_2022). The following publication has been ascertained in the context of this evaluation (PMID: 34813777). ClinVar contains an entry for this variant (Variation ID: 559832). Based on the evidence outlined above, the variant was classified as pathogenic.

Natera, Inc.
Classification: Pathogenic for Mucopolysaccharidosis type VI. Last evaluated: 2025-11-24. Review status: criteria provided, single submitter. Criteria: Natera Variant Classification Schema (03/2026). Collection method: clinical testing. Allele origin: germline.
Comment: The c.979C>T variant in ARSB is a nonsense variant predicted to introduce a stop codon at amino acid 327. This variant is expected to result in nonsense mediated decay, truncation, or a dysfunctional protein product. This variant is rare in the general population with a frequency below the threshold expected for the associated phenotype(s). This variant has been observed in one or more individuals affected with the associated recessive disease, as either homozygous or compound heterozygous with a second variant (PMID: 33209960). Additionally, this variant has been observed to segregate in affected family members (PMID: 33209960). Given the available evidence, this variant is classified as Pathogenic.

Dubai Health Genomic Medicine Center, Dubai Health
Classification: Pathogenic for Mucopolysaccharidosis type VI. Last evaluated: 2024-10-04. Review status: criteria provided, single submitter. Criteria: ACMG Guidelines, 2015. Collection method: research. Allele origin: germline. Affected: yes.
Comment: PVS1,PS3,PM2,PP1

Fulgent Genetics
Classification: Pathogenic for Mucopolysaccharidosis type 6. Last evaluated: 2024-04-12. Review status: criteria provided, single submitter. Criteria: ACMG Guidelines, 2015. Collection method: clinical testing. Allele origin: germline.

Labcorp Genetics (formerly Invitae), Labcorp
Classification: Pathogenic for Mucopolysaccharidosis type 6. Last evaluated: 2024-03-05. Review status: criteria provided, single submitter. Criteria: Invitae Variant Classification Sherloc (09022015). Collection method: clinical testing. Allele origin: germline.
Comment: This sequence change creates a premature translational stop signal (p.Arg327*) in the ARSB gene. It is expected to result in an absent or disrupted protein product. Loss-of-function variants in ARSB are known to be pathogenic (PMID: 17458871, 22133300). This variant is present in population databases (no rsID available, gnomAD 0.003%). This premature translational stop signal has been observed in individual(s) with mucopolysaccharidosis type VI (PMID: 14974081, 23557332). ClinVar contains an entry for this variant (Variation ID: 559832). For these reasons, this variant has been classified as Pathogenic.

Baylor Genetics
Classification: Pathogenic for Mucopolysaccharidosis type 6. Last evaluated: 2022-10-15. Review status: criteria provided, single submitter. Criteria: ACMG Guidelines, 2015. Collection method: clinical testing. Allele origin: unknown.

Blueprint Genetics
Classification: Likely pathogenic for ARSB-related disorders. Last evaluated: 2020-03-27. Review status: criteria provided, single submitter. Criteria: ACMG Guidelines, 2015. Collection method: clinical testing. Allele origin: germline. Affected: yes. Observed: 3 variant alleles.

Molecular Diagnostics Laboratory, M Health Fairview: University of Minnesota
Classification: Pathogenic for Mucopolysaccharidosis type 6. Last evaluated: 2018-10-03. Review status: criteria provided, single submitter. Criteria: ACMG Guidelines, 2015. Collection method: clinical testing. Allele origin: germline. Affected: yes. Observed: 1 variant allele.

Laboratory of Diagnosis and Therapy of Lysosomal Disorders, University of Padova
Classification: Pathogenic for Mucopolysaccharidosis type 6. Last evaluated: 2018-01-01. Review status: criteria provided, single submitter. Criteria: ACMG Guidelines, 2015. Collection method: curation. Allele origin: germline. Affected: yes.
Comment: Nonsense variant (PVS1); In vitro functional studies supportive of a damaging effect on the gene product (low to no ARSB activity in homozygotes; PS3); Very low frequency in ExAc (PM2); Reputable source identifies as pathogenic (PP5)

Juno Genomics, Hangzhou Juno Genomics, Inc
Classification: Pathogenic for Mucopolysaccharidosis type 6. Review status: criteria provided, single submitter. Criteria: ACMG Guidelines, 2015. Collection method: clinical testing. Allele origin: germline.
Comment: Absent from controls (or at extremely low frequency if recessive) in Genome Aggregation Database.;Null variant in a gene where loss of function (LOF) is a known mechanism of disease.;For recessive disorders, detected in trans with a pathogenic variant.

Department of Genetics, Sultan Qaboos University Hospital
Classification: Pathogenic for Mucopolysaccharidosis type 6. Last evaluated: 2017-12-30. Review status: no assertion criteria provided. Collection method: curation. Allele origin: unknown. Affected: yes. Not counted in ClinVar's aggregate classification.

Literature cited by the submitters: PubMed 34813777 (cited by Women's Health and Genetics/Laboratory Corporation of America, LabCorp); PubMed 33209960 (cited by Natera, Inc.); PubMed 17458871 (cited by Labcorp Genetics (formerly Invitae), Labcorp and Laboratory of Diagnosis and Therapy of Lysosomal Disorders, University of Padova); PubMed 22133300 (cited by Labcorp Genetics (formerly Invitae), Labcorp); PubMed 14974081 (cited by 3 submitters); PubMed 23557332 (cited by 3 submitters); PubMed 25654180 (cited by Laboratory of Diagnosis and Therapy of Lysosomal Disorders, University of Padova); PubMed 28858097 (cited by Laboratory of Diagnosis and Therapy of Lysosomal Disorders, University of Padova); PubMed 25190157 (cited by Laboratory of Diagnosis and Therapy of Lysosomal Disorders, University of Padova); PubMed 30118150 (cited by Laboratory of Diagnosis and Therapy of Lysosomal Disorders, University of Padova).